The following is an entry in ClinVar:

ClinVar aggregate classification (germline): Benign/Likely benign. Review status: criteria provided, multiple submitters, no conflicts (2 of 4 stars). 4 submissions from 4 submitters: Benign (1); Likely benign (3). Last evaluated 2026-01-18.

Allele frequency attached by ClinVar (database versions not stated): 1000 Genomes Project 0.00020; TOPMed 0.00023; 1000 Genomes Project 30x 0.00031; ESP Exome Variant Server 0.00031; gnomAD exomes 0.00065 and 0.00139; gnomAD 0.00123 and 0.00125; ExAC 0.00143.
gnomAD v4.1: 1,128 of 1,613,762 alleles (0.07%); highest among the groups gnomAD compares: South Asian, 0.094%; 4 homozygotes.

Submissions (4):

Labcorp Genetics (formerly Invitae), Labcorp
Classification: Benign. Last evaluated: 2026-01-18. Review status: criteria provided, single submitter. Criteria: Invitae Variant Classification Sherloc (09022015). Collection method: clinical testing. Allele origin: germline.

Blueprint Genetics
Classification: Likely benign. Last evaluated: 2024-11-12. Review status: criteria provided, single submitter. Criteria: ACMG Guidelines, 2015. Collection method: clinical testing. Allele origin: germline.

CeGaT Center for Human Genetics Tuebingen
Classification: Likely benign. Last evaluated: 2024-02-01. Review status: criteria provided, single submitter. Criteria: CeGaT Center For Human Genetics Tuebingen Variant Classification Criteria Version 2. Collection method: clinical testing. Allele origin: germline. Affected: yes. Observed: 1 variant allele.
Comment: COL9A3: BP4, BS2

GeneDx
Classification: Likely benign. Last evaluated: 2021-02-05. Review status: criteria provided, single submitter. Criteria: GeneDx Variant Classification Process June 2021. Collection method: clinical testing. Allele origin: germline. Affected: yes.

NM_001853.4(COL9A3):c.1548+4C>T

Genes: COL9A3 (collagen type IX alpha 3 chain; plus strand), LOC126863084 (MED14-independent group 3 enhancer GRCh37_chr20:61467141-61468340; plus strand). Cytogenetic location: 20q13.33.
Variant type: single nucleotide variant.
Coding change: c.1548+4C>T on transcript NM_001853.4 (MANE Select); 4 bases into the intron after coding-DNA position 1548, C replaced by T.
Molecular consequence: intron variant.
Genome position (GRCh38, 1-based): chr20:62,836,337, C>T. VCF-style: chr20-62836337-C-T. GRCh37 (hg19) VCF-style: chr20-61467689-C-T.
Identifiers: ClinVar variation 1170248 (VCV001170248.34), dbSNP rs377366714, ClinGen allele CA9950021.